The following is an entry in ClinVar:

ClinVar aggregate classification (germline): Likely pathogenic (1 of 4 stars; one submission).

Submission:

GeneDx
Classification: Likely pathogenic. Last evaluated: 2026-09-11. Review status: criteria provided, single submitter. Criteria: GeneDx Variant Classification Process June 2021. Collection method: clinical testing. Allele origin: germline.
Comment: Not observed at significant frequency in large population cohorts (gnomAD); In silico analysis supports that this missense variant has a deleterious effect on protein structure/function; Has not been previously published as pathogenic or benign to our knowledge

NM_001046.3(SLC12A2):c.2200G>C (p.Ala734Pro)

Gene: SLC12A2 (solute carrier family 12 member 2; plus strand). Cytogenetic location: 5q23.3.
Variant type: single nucleotide variant.
Coding change: c.2200G>C on transcript NM_001046.3 (MANE Select); coding-DNA position 2200, G replaced by C.
Protein change: p.Ala734Pro; replaces alanine 734 with proline.
Molecular consequence: missense variant. On other transcripts: non-coding transcript variant (1).
Genome position (GRCh38, 1-based): chr5:128,151,333, G>C. VCF-style: chr5-128151333-G-C. GRCh37 (hg19) VCF-style: chr5-127487025-G-C.
Other names: c.2200G>C, p.Ala734Pro (NM_001256461.2); short protein forms A734P.
Identifiers: ClinVar variation 3365914 (VCV003365914.2).